The following is an entry in ClinVar:

ClinVar aggregate classification (germline): Uncertain significance (1 of 4 stars; one submission).

Allele frequency attached by ClinVar (database versions not stated): gnomAD exomes below 0.00001.

Submission:

Labcorp Genetics (formerly Invitae), Labcorp
Classification: Uncertain significance. Last evaluated: 2022-08-20. Review status: criteria provided, single submitter. Criteria: Invitae Variant Classification Sherloc (09022015). Collection method: clinical testing. Allele origin: germline.
Comment: This sequence change replaces phenylalanine, which is neutral and non-polar, with serine, which is neutral and polar, at codon 148 of the NDUFA6 protein (p.Phe148Ser). This variant is not present in population databases (gnomAD no frequency). This variant has not been reported in the literature in individuals affected with NDUFA6-related conditions. Algorithms developed to predict the effect of missense changes on protein structure and function are either unavailable or do not agree on the potential impact of this missense change (SIFT: "Not Available"; PolyPhen-2: "Probably Damaging"; Align-GVGD: "Not Available"). In summary, the available evidence is currently insufficient to determine the role of this variant in disease. Therefore, it has been classified as a Variant of Uncertain Significance.

NM_002490.6(NDUFA6):c.365T>C (p.Phe122Ser)

Gene: NDUFA6 (NADH:ubiquinone oxidoreductase subunit A6; minus strand). Cytogenetic location: 22q13.2.
Variant type: single nucleotide variant.
Coding change: c.365T>C on transcript NM_002490.6 (MANE Select); coding-DNA position 365, T replaced by C.
Protein change: p.Phe122Ser; replaces phenylalanine 122 with serine.
Molecular consequence: missense variant.
Genome position (GRCh38, 1-based): chr22:42,086,205, A>G on the plus strand (T>C on the coding strand, the complement: NDUFA6 is on the minus strand). VCF-style: chr22-42086205-A-G. GRCh37 (hg19) VCF-style: chr22-42482209-A-G.
Other names: short protein forms F122S.
Identifiers: ClinVar variation 2022332 (VCV002022332.1), dbSNP rs2519101961, ClinGen allele CA411774921.